The following is an entry in ClinVar:

NM_002474.3(MYH11):c.2653-15A>C

Gene: MYH11 (myosin heavy chain 11; minus strand). Cytogenetic location: 16p13.11.
Variant type: single nucleotide variant.
Coding change: c.2653-15A>C on transcript NM_002474.3 (MANE Select); 15 bases into the intron before coding-DNA position 2653, A replaced by C.
Molecular consequence: intron variant.
Genome position (GRCh38, 1-based): chr16:15,741,684, T>G on the plus strand (A>C on the coding strand, the complement: MYH11 is on the minus strand). VCF-style: chr16-15741684-T-G. GRCh37 (hg19) VCF-style: chr16-15835541-T-G.
Other names: c.2653-15A>C (NM_022844.3); c.2674-15A>C (NM_001040114.2, NM_001040113.2).
Identifiers: ClinVar variation 3387215 (VCV003387215.3).

ClinVar aggregate classification (germline): Likely benign. Review status: criteria provided, multiple submitters, no conflicts (2 of 4 stars). 2 submissions from 2 submitters: Likely benign (2). Last evaluated 2024-09-04.

Conditions:
Aortic aneurysm, familial thoracic 4 (AAT4). Also called: AORTIC ANEURYSM/AORTIC DISSECTION AND PATENT DUCTUS ARTERIOSUS. Identifiers: MedGen C1851504, MONDO:0007568, OMIM 132900.
Familial thoracic aortic aneurysm and aortic dissection (TAAD). Also called: Thoracic aortic aneurysms and dissections. Identifiers: Orphanet 91387, MedGen C4707243, MONDO:0019625.

gnomAD v4.1: 2 of 1,613,984 alleles (0.00012%); highest among the groups gnomAD compares: African/African-American, 0.0027%; no homozygotes.

Submissions (2):

Labcorp Genetics (formerly Invitae), Labcorp
Classification: Likely benign for Aortic aneurysm, familial thoracic 4. Last evaluated: 2024-09-04. Review status: criteria provided, single submitter. Criteria: Invitae Variant Classification Sherloc (09022015). Collection method: clinical testing. Allele origin: germline.

All of Us Research Program, National Institutes of Health
Classification: Likely benign for Familial thoracic aortic aneurysm and aortic dissection. Last evaluated: 2024-07-20. Review status: criteria provided, single submitter. Criteria: ACMG Guidelines, 2015. Collection method: clinical testing. Allele origin: germline. Inheritance: Autosomal dominant inheritance. Observed: 1 variant allele, 1 heterozygote.
Comment: This study involves interpretation of variants in research participants for the purpose of population health screening. Participant phenotype was not available at the time of variant classification. Additional details can be found in publication PMID: 35346344, PMCID: PMC8962531